The following is an entry in ClinVar:

NM_019842.4(KCNQ5):c.392C>T (p.Ala131Val)

Genes: KCNQ5 (potassium voltage-gated channel subfamily Q member 5; plus strand), KCNQ5-DT (KCNQ5 divergent transcript; minus strand). Cytogenetic location: 6q13.
Variant type: single nucleotide variant.
Coding change: c.392C>T on transcript NM_019842.4 (MANE Select); coding-DNA position 392, C replaced by T.
Protein change: p.Ala131Val; replaces alanine 131 with valine.
Molecular consequence: missense variant.
Genome position (GRCh38, 1-based): chr6:72,622,581, C>T. VCF-style: chr6-72622581-C-T. GRCh37 (hg19) VCF-style: chr6-73332309-C-T.
Other names: c.392C>T (NM_001160133.1); c.392C>T, p.Ala131Val (NM_001160130.2, NM_001160132.2, NM_001160133.2 and 1 more transcripts); short protein forms A131V.
Identifiers: ClinVar variation 1944791 (VCV001944791.28), dbSNP rs751287194, ClinGen allele CA141452136.
Genomic context (GRCh38, chr6:72,622,581, plus strand): 5'-TGCAGAACTACCTGTACAACGTGCTGGAGAGACCCCGCGGCTGGGCGTTCATCTACCACG[C>T]TTTCGTGTGAGTACCCGCGCCCCCTGCTATGCCCGCTGCAGGGGACCACTGTCCCTGGCC-3'
Protein context (NP_062816.2, residues 121-141): RPRGWAFIYH[Ala131Val]FVFLLVFGCL

ClinVar aggregate classification (germline): Conflicting classifications of pathogenicity. Review status: criteria provided, conflicting classifications (1 of 4 stars). 3 submissions from 3 submitters: Uncertain significance (2); Benign (1). Last evaluated 2025-07-15.

Conditions:
Inborn genetic diseases. Identifiers: MedGen C0950123, MeSH D030342.

Allele frequency attached by ClinVar (database versions not stated): gnomAD 0.00001; TOPMed 0.00001.
gnomAD v4.1: 10 of 1,612,504 alleles (0.00062%); highest among the groups gnomAD compares: Non-Finnish European, 0.00085%; no homozygotes.

Submissions (3):

Ambry Genetics
Classification: Uncertain significance for Inborn genetic diseases. Last evaluated: 2025-07-15. Review status: criteria provided, single submitter. Criteria: Ambry Variant Classification Scheme 2023. Collection method: clinical testing. Allele origin: germline.

CeGaT Center for Human Genetics Tuebingen
Classification: Uncertain significance. Last evaluated: 2024-01-01. Review status: criteria provided, single submitter. Criteria: CeGaT Center For Human Genetics Tuebingen Variant Classification Criteria Version 2. Collection method: clinical testing. Allele origin: germline. Affected: yes. Observed: 1 variant allele.
Comment: KCNQ5: PM2, PP2, PP3

Labcorp Genetics (formerly Invitae), Labcorp
Classification: Benign. Last evaluated: 2022-08-16. Review status: criteria provided, single submitter. Criteria: Invitae Variant Classification Sherloc (09022015). Collection method: clinical testing. Allele origin: germline.